The following is an entry in ClinVar:

NM_000138.5(FBN1):c.351A>T (p.Gln117His)

Gene: FBN1 (fibrillin 1; minus strand). Cytogenetic location: 15q21.1.
Variant type: single nucleotide variant.
Coding change: c.351A>T on transcript NM_000138.5 (MANE Select); coding-DNA position 351, A replaced by T.
Protein change: p.Gln117His; replaces glutamine 117 with histidine.
Molecular consequence: missense variant.
Genome position (GRCh38, 1-based): chr15:48,600,230, T>A on the plus strand (A>T on the coding strand, the complement: FBN1 is on the minus strand). VCF-style: chr15-48600230-T-A. GRCh37 (hg19) VCF-style: chr15-48892427-T-A.
Other names: short protein forms Q117H.
Identifiers: ClinVar variation 923237 (VCV000923237.9), dbSNP rs201083095, ClinGen allele CA051007.

ClinVar aggregate classification (germline): Uncertain significance. Review status: criteria provided, multiple submitters, no conflicts (2 of 4 stars). 4 submissions from 4 submitters: Uncertain significance (4). Last evaluated 2025-04-27.

Conditions:
Marfan syndrome (MFS). Also called: Marfan syndrome, classic; Marfan syndrome type 1; Marfan's syndrome; FBN1-Related Marfan Syndrome; MARFAN SYNDROME, TYPE I. Identifiers: Orphanet 284963, Orphanet 558, MedGen C0024796, MONDO:0007947, OMIM 154700.
Familial thoracic aortic aneurysm and aortic dissection (TAAD). Also called: Thoracic aortic aneurysms and dissections. Identifiers: Orphanet 91387, MedGen C4707243, MONDO:0019625.

Allele frequency attached by ClinVar (database versions not stated): gnomAD exomes 0.00001; 1000 Genomes Project 0.00020; gnomAD 0.00001; ExAC 0.00002; TOPMed 0.00001; 1000 Genomes Project 30x 0.00016.
gnomAD v4.1: 11 of 1,613,090 alleles (0.00068%); highest among the groups gnomAD compares: Non-Finnish European, 0.00093%; no homozygotes.

Submissions (4):

Labcorp Genetics (formerly Invitae), Labcorp
Classification: Uncertain significance for Marfan syndrome; Familial thoracic aortic aneurysm and aortic dissection. Last evaluated: 2025-04-27. Review status: criteria provided, single submitter. Criteria: Invitae Variant Classification Sherloc (09022015). Collection method: clinical testing. Allele origin: germline.
Comment: This sequence change replaces glutamine, which is neutral and polar, with histidine, which is basic and polar, at codon 117 of the FBN1 protein (p.Gln117His). This variant is present in population databases (rs201083095, gnomAD 0.003%). This variant has not been reported in the literature in individuals affected with FBN1-related conditions. ClinVar contains an entry for this variant (Variation ID: 923237). Invitae Evidence Modeling of protein sequence and biophysical properties (such as structural, functional, and spatial information, amino acid conservation, physicochemical variation, residue mobility, and thermodynamic stability) has been performed for this missense variant. However, the output from this modeling did not meet the statistical confidence thresholds required to predict the impact of this variant on FBN1 protein function. In summary, the available evidence is currently insufficient to determine the role of this variant in disease. Therefore, it has been classified as a Variant of Uncertain Significance.

All of Us Research Program, National Institutes of Health
Classification: Uncertain significance for Marfan syndrome. Last evaluated: 2024-06-09. Review status: criteria provided, single submitter. Criteria: ACMG Guidelines, 2015. Collection method: clinical testing. Allele origin: germline. Inheritance: Autosomal dominant inheritance. Observed: 1 variant allele, 1 heterozygote.
Comment: This missense variant replaces glutamine with histidine at codon 117 of the FBN1 protein. Computational prediction is inconclusive regarding the impact of this variant on protein structure and function (internally defined REVEL score threshold 0.5 < inconclusive < 0.7, PMID: 27666373). To our knowledge, functional studies have not been reported for this variant. This variant has not been reported in individuals affected with cardiovascular disorders in the literature. This variant has been identified in 3/250588 chromosomes in the general population by the Genome Aggregation Database (gnomAD). The available evidence is insufficient to determine the role of this variant in disease conclusively. Therefore, this variant is classified as a Variant of Uncertain Significance.

This study involves interpretation of variants in research participants for the purpose of population health screening. Participant phenotype was not available at the time of variant classification. Additional details can be found in publication PMID: 35346344, PMCID: PMC8962531

Color Diagnostics, LLC DBA Color Health
Classification: Uncertain significance for Familial thoracic aortic aneurysm and aortic dissection. Last evaluated: 2023-11-02. Review status: criteria provided, single submitter. Criteria: ACMG Guidelines, 2015. Collection method: clinical testing. Allele origin: germline.
Comment: This missense variant replaces glutamine with histidine at codon 117 of the FBN1 protein. Computational prediction is inconclusive regarding the impact of this variant on protein structure and function (internally defined REVEL score threshold 0.5 < inconclusive < 0.7, PMID: 27666373). To our knowledge, functional studies have not been reported for this variant. This variant has not been reported in individuals affected with FBN1-related disorders in the literature. This variant has been identified in 3/250588 chromosomes in the general population by the Genome Aggregation Database (gnomAD). The available evidence is insufficient to determine the role of this variant in disease conclusively. Therefore, this variant is classified as a Variant of Uncertain Significance.

Blueprint Genetics
Classification: Uncertain significance. Last evaluated: 2021-11-19. Review status: criteria provided, single submitter. Criteria: ACMG Guidelines, 2015. Collection method: clinical testing. Allele origin: germline.